The following is an entry in ClinVar:

ClinVar aggregate classification (germline): Benign. Review status: criteria provided, multiple submitters, no conflicts (2 of 4 stars). 2 submissions from 2 submitters: Benign (2). Last evaluated 2018-06-18.

Allele frequency attached by ClinVar (database versions not stated): gnomAD exomes 0.84310; 1000 Genomes Project 30x 0.74516; 1000 Genomes Project 0.74760; TOPMed 0.77201; gnomAD 0.78938 and 0.78965.
gnomAD v4.1: 288,795 of 352,404 alleles (82%); highest among the groups gnomAD compares: Non-Finnish European, 87%; 119,804 homozygotes.

Submissions (2):

GeneDx
Classification: Benign. Last evaluated: 2018-06-18. Review status: criteria provided, single submitter. Criteria: GeneDx Variant Classification (06012015). Collection method: clinical testing. Allele origin: germline. Affected: yes.
Comment: This variant is considered likely benign or benign based on one or more of the following criteria: it is a conservative change, it occurs at a poorly conserved position in the protein, it is predicted to be benign by multiple in silico algorithms, and/or has population frequency not consistent with disease.

Breakthrough Genomics
Classification: Benign. Review status: criteria provided, single submitter. Criteria: ACMG Guidelines, 2015. Collection method: not provided. Allele origin: germline. Inheritance: Unknown mechanism. Affected: yes.

NM_014476.6(PDLIM3):c.330+281A>G

Gene: PDLIM3 (PDZ and LIM domain 3; minus strand). Cytogenetic location: 4q35.1.
Variant type: single nucleotide variant.
Coding change: c.330+281A>G on transcript NM_014476.6 (MANE Select); 281 bases into the intron after coding-DNA position 330, A replaced by G.
Molecular consequence: intron variant.
Genome position (GRCh38, 1-based): chr4:185,523,081, T>C on the plus strand (A>G on the coding strand, the complement: PDLIM3 is on the minus strand). VCF-style: chr4-185523081-T-C. GRCh37 (hg19) VCF-style: chr4-186444235-T-C.
Other names: c.94-8744A>G (NM_001257963.2); c.330+281A>G (NM_001257962.2, NM_001114107.5).
Identifiers: ClinVar variation 683681 (VCV000683681.2), dbSNP rs6552891, ClinGen allele CA11843026.